The following is an entry in ClinVar:

ClinVar aggregate classification (germline): Uncertain significance (1 of 4 stars; one submission).

Submission:

GeneDx
Classification: Uncertain significance. Last evaluated: 2022-03-24. Review status: criteria provided, single submitter. Criteria: GeneDx Variant Classification Process June 2021. Collection method: clinical testing. Allele origin: germline. Affected: yes.
Comment: Not observed at significant frequency in large population cohorts (gnomAD); In silico analysis supports that this missense variant has a deleterious effect on protein structure/function; Has not been previously published as pathogenic or benign to our knowledge

NM_001348768.2(HECW2):c.1931C>T (p.Ser644Phe)

Gene: HECW2 (HECT, C2 and WW domain containing E3 ubiquitin protein ligase 2; minus strand). Cytogenetic location: 2q32.3.
Variant type: single nucleotide variant.
Coding change: c.1931C>T on transcript NM_001348768.2 (MANE Select); coding-DNA position 1931, C replaced by T.
Protein change: p.Ser644Phe; replaces serine 644 with phenylalanine.
Molecular consequence: missense variant.
Genome position (GRCh38, 1-based): chr2:196,318,959, G>A on the plus strand (C>T on the coding strand, the complement: HECW2 is on the minus strand). VCF-style: chr2-196318959-G-A. GRCh37 (hg19) VCF-style: chr2-197183683-G-A.
Other names: c.863C>T, p.Ser288Phe (NM_001304840.3); c.1931C>T, p.Ser644Phe (NM_020760.4); short protein forms S288F, S644F.
Identifiers: ClinVar variation 1707308 (VCV001707308.2), dbSNP rs1241394413, ClinGen allele CA349964965.